The following is an entry in ClinVar:

NM_015215.4(CAMTA1):c.1207G>C (p.Glu403Gln)

Gene: CAMTA1 (calmodulin binding transcription activator 1; plus strand). Cytogenetic location: 1p36.23.
Variant type: single nucleotide variant.
Coding change: c.1207G>C on transcript NM_015215.4 (MANE Select); coding-DNA position 1207, G replaced by C.
Protein change: p.Glu403Gln; replaces glutamic acid 403 with glutamine.
Molecular consequence: missense variant.
Genome position (GRCh38, 1-based): chr1:7,663,754, G>C. VCF-style: chr1-7663754-G-C. GRCh37 (hg19) VCF-style: chr1-7723814-G-C.
Other names: c.1207G>C (NM_015215.3); c.1117G>C, p.Glu373Gln (NM_001349608.2, NM_001349612.2); c.1207G>C, p.Glu403Gln (NM_001349609.2, NM_001349610.2); short protein forms E373Q, E403Q.
Identifiers: ClinVar variation 806020 (VCV000806020.43), dbSNP rs1558081450, ClinGen allele CA338126168.

ClinVar aggregate classification (germline): Uncertain significance. Review status: criteria provided, multiple submitters, no conflicts (2 of 4 stars). 2 submissions from 2 submitters: Uncertain significance (2). Last evaluated 2026-02-09.

Allele frequency attached by ClinVar (database versions not stated): gnomAD exomes below 0.00001.

Submissions (2):

GeneDx
Classification: Uncertain significance. Last evaluated: 2026-02-09. Review status: criteria provided, single submitter. Criteria: GeneDx Variant Classification Process June 2021. Collection method: clinical testing. Allele origin: germline.
Comment: Not observed at significant frequency in large population cohorts (gnomAD); In silico analysis suggests that this missense variant does not alter protein structure/function; Has not been previously published as pathogenic or benign to our knowledge

CeGaT Center for Human Genetics Tuebingen
Classification: Uncertain significance. Last evaluated: 2019-07-01. Review status: criteria provided, single submitter. Criteria: CeGaT Center For Human Genetics Tuebingen Variant Classification Criteria Version 2. Collection method: clinical testing. Allele origin: germline. Affected: yes. Observed: 1 variant allele.